The following is an entry in ClinVar:

NM_004320.6(ATP2A1):c.1756G>A (p.Glu586Lys)

Gene: ATP2A1 (ATPase sarcoplasmic/endoplasmic reticulum Ca2+ transporting 1; plus strand). Cytogenetic location: 16p11.2.
Variant type: single nucleotide variant.
Coding change: c.1756G>A on transcript NM_004320.6 (MANE Select); coding-DNA position 1756, G replaced by A.
Protein change: p.Glu586Lys; replaces glutamic acid 586 with lysine.
Molecular consequence: missense variant.
Genome position (GRCh38, 1-based): chr16:28,898,443, G>A. VCF-style: chr16-28898443-G-A. GRCh37 (hg19) VCF-style: chr16-28909764-G-A.
Other names: c.1381G>A, p.Glu461Lys (NM_001286075.2); c.1756G>A, p.Glu586Lys (NM_173201.5); short protein forms E586K, E461K.
Identifiers: ClinVar variation 423320 (VCV000423320.4), dbSNP rs757955149, ClinGen allele CA7987063.
Genomic context (GRCh38, chr16:28,898,443, plus strand): 5'-ACCCGGGACACCCCCCCGAAGCGAGAGGAAATGGTCCTGGATGACTCTGCCAGGTTCCTG[G>A]AGTATGAGGTAAGCAGCTGGGAGCCTCCCACTGTCGTGGAGCTGGTGAAGGGCCGGGTCC-3'
Protein context (NP_004311.1, residues 576-596): MVLDDSARFL[Glu586Lys]YETDLTFVGV

ClinVar aggregate classification (germline): Uncertain significance (1 of 4 stars; one submission).

Allele frequency attached by ClinVar (database versions not stated): gnomAD exomes below 0.00001; ExAC 0.00001; gnomAD 0.00001; TOPMed 0.00001.
gnomAD v4.1: 5 of 1,612,002 alleles (0.00031%); highest among the groups gnomAD compares: Non-Finnish European, 0.00042%; no homozygotes.

Submission:

GeneDx
Classification: Uncertain significance. Last evaluated: 2021-11-12. Review status: criteria provided, single submitter. Criteria: GeneDx Variant Classification Process June 2021. Collection method: clinical testing. Allele origin: germline. Affected: yes.
Comment: Not observed at significant frequency in large population cohorts (Lek et al., 2016); In silico analysis supports that this missense variant does not alter protein structure/function; Has not been previously published as pathogenic or benign to our knowledge